The following is an entry in ClinVar:

ClinVar aggregate classification (germline): Uncertain significance (1 of 4 stars; one submission).

Conditions:
Developmental and epileptic encephalopathy, 12 (DEE12). Identifiers: MedGen C3150988, MONDO:0013389, OMIM 613722.

Submission:

Labcorp Genetics (formerly Invitae), Labcorp
Classification: Uncertain significance for Developmental and epileptic encephalopathy, 12. Last evaluated: 2021-09-18. Review status: criteria provided, single submitter. Criteria: Invitae Variant Classification Sherloc (09022015). Collection method: clinical testing. Allele origin: germline.
Comment: In summary, the available evidence is currently insufficient to determine the role of this variant in disease. Therefore, it has been classified as a Variant of Uncertain Significance. This sequence change replaces alanine with threonine at codon 72 of the PLCB1 protein (p.Ala72Thr). The alanine residue is weakly conserved and there is a small physicochemical difference between alanine and threonine. This variant is not present in population databases (ExAC no frequency). This variant has not been reported in the literature in individuals affected with PLCB1-related conditions. Algorithms developed to predict the effect of missense changes on protein structure and function (SIFT, PolyPhen-2, Align-GVGD) all suggest that this variant is likely to be tolerated.

NM_015192.4(PLCB1):c.214G>A (p.Ala72Thr)

Gene: PLCB1 (phospholipase C beta 1; plus strand). Cytogenetic location: 20p12.3.
Variant type: single nucleotide variant.
Coding change: c.214G>A on transcript NM_015192.4 (MANE Select); coding-DNA position 214, G replaced by A.
Protein change: p.Ala72Thr; replaces alanine 72 with threonine.
Molecular consequence: missense variant.
Genome position (GRCh38, 1-based): chr20:8,371,418, G>A. VCF-style: chr20-8371418-G-A. GRCh37 (hg19) VCF-style: chr20-8352065-G-A.
Other names: c.214G>A, p.Ala72Thr (NM_182734.3); short protein forms A72T.
Identifiers: ClinVar variation 1359472 (VCV001359472.6), dbSNP rs2122343640, ClinGen allele CA408262283.
Genomic context (GRCh38, chr20:8,371,418, plus strand): 5'-CGATTTCACGTTTTTGCCTTCCAGGAGACAGAGCTACTGGATCTCAGCCTTGTCAAAGAT[G>A]CCAGATGTGGGAGACACGCCAAAGCTCCCAAGGTAGGAGGTTGAGTGTTGTGCATGCACC-3'
Protein context (NP_056007.1, residues 62-82): ELLDLSLVKD[Ala72Thr]RCGRHAKAPK